The following is an entry in ClinVar:

NM_001414.4(EIF2B1):c.*196A>T

Genes: EIF2B1 (eukaryotic translation initiation factor 2B subunit alpha; minus strand), LOC126861664 (CDK7 strongly-dependent group 2 enhancer GRCh37_chr12:124105924-124107123; plus strand). Cytogenetic location: 12q24.31.
Variant type: single nucleotide variant.
Coding change: c.*196A>T on transcript NM_001414.4 (MANE Select); 196 bases downstream of the stop codon, A replaced by T.
Molecular consequence: 3 prime UTR variant.
Genome position (GRCh38, 1-based): chr12:123,621,560, T>A on the plus strand (A>T on the coding strand, the complement: EIF2B1 is on the minus strand). VCF-style: chr12-123621560-T-A. GRCh37 (hg19) VCF-style: chr12-124106107-T-A.
Identifiers: ClinVar variation 307527 (VCV000307527.5), dbSNP rs11057309, ClinGen allele CA10632190.

ClinVar aggregate classification (germline): Benign (1 of 4 stars; one submission).

Conditions:
Vanishing white matter disease. Also called: CACH syndrome; Childhood ataxia with diffuse central nervous system hypomyelination; Leukoencephalopathy with vanishing white matter; CACH/VWM syndrome; Cree leukoencehalopathy. Identifiers: Orphanet 135, Orphanet 99853, MedGen C1858991, MONDO:0800448.

Allele frequency attached by ClinVar (database versions not stated): gnomAD 0.00106 and 0.00159; TOPMed 0.00174; gnomAD exomes 0.00184; 1000 Genomes Project 30x 0.00828; 1000 Genomes Project 0.00938.
gnomAD v4.1: 1,215 of 660,474 alleles (0.18%); highest among the groups gnomAD compares: East Asian, 3%; 24 homozygotes.

Submission:

Illumina Laboratory Services, Illumina
Classification: Benign for Leukoencephalopathy with vanishing white matter 1. Last evaluated: 2018-01-12. Review status: criteria provided, single submitter. Criteria: ICSL Variant Classification Criteria 13 December 2019. Collection method: clinical testing. Allele origin: germline.
Comment: This variant was observed in the ICSL laboratory as part of a predisposition screen in an ostensibly healthy population. It had not been previously curated by ICSL or reported in the Human Gene Mutation Database (HGMD: prior to June 1st, 2018), and was therefore a candidate for classification through an automated scoring system. Utilizing variant allele frequency, disease prevalence and penetrance estimates, and inheritance mode, an automated score was calculated to assess if this variant is too frequent to cause the disease. Based on the score and internal cut-off values, a variant classified as benign is not then subjected to further curation. The score for this variant resulted in a classification of benign for this disease.